The following is an entry in ClinVar:

ClinVar aggregate classification (germline): Uncertain significance (1 of 4 stars; one submission).

gnomAD v4.1: 1 of 1,503,904 alleles (0.000066%); highest among the groups gnomAD compares: Middle Eastern, 0.018%; no homozygotes.

Submission:

CeGaT Center for Human Genetics Tuebingen
Classification: Uncertain significance. Last evaluated: 2026-03-01. Review status: criteria provided, single submitter. Criteria: CeGaT Center For Human Genetics Tuebingen Variant Classification Criteria Version 2. Collection method: clinical testing. Allele origin: germline. Affected: yes. Observed: 1 variant allele.
Comment: SHH: PP2, PP3

NM_000193.4(SHH):c.1015G>A (p.Glu339Lys)

Gene: SHH (sonic hedgehog signaling molecule; minus strand). Cytogenetic location: 7q36.3.
Variant type: single nucleotide variant.
Coding change: c.1015G>A on transcript NM_000193.4 (MANE Select); coding-DNA position 1015, G replaced by A.
Protein change: p.Glu339Lys; replaces glutamic acid 339 with lysine.
Molecular consequence: missense variant. On other transcripts: intron variant (1).
Genome position (GRCh38, 1-based): chr7:155,803,274, C>T on the plus strand (G>A on the coding strand, the complement: SHH is on the minus strand). VCF-style: chr7-155803274-C-T. GRCh37 (hg19) VCF-style: chr7-155595968-C-T.
Other names: c.301+3022G>A (NM_001310462.2); short protein forms E339K.
Identifiers: ClinVar variation 4822560 (VCV004822560.4).